The following is an entry in ClinVar:

NM_004237.4(TRIP13):c.608+10G>A

Gene: TRIP13 (thyroid hormone receptor interactor 13; plus strand). Cytogenetic location: 5p15.33.
Variant type: single nucleotide variant.
Coding change: c.608+10G>A on transcript NM_004237.4 (MANE Select); 10 bases into the intron after coding-DNA position 608, G replaced by A.
Molecular consequence: intron variant.
Genome position (GRCh38, 1-based): chr5:904,230, G>A. VCF-style: chr5-904230-G-A. GRCh37 (hg19) VCF-style: chr5-904345-G-A.
Other names: c.608+10G>A (NM_001166260.2).
Identifiers: ClinVar variation 3058099 (VCV003058099.3), dbSNP rs375068192, ClinGen allele CA3179915.

ClinVar aggregate classification (germline): Likely benign. Review status: criteria provided, single submitter (1 of 4 stars). 2 submissions from 2 submitters: Likely benign (1). 1 of the submissions does not count toward it. Last evaluated 2025-04-30.

Conditions:
TRIP13-related disorder. Also called: TRIP13-related condition.

Allele frequency attached by ClinVar (database versions not stated): ExAC 0.00005; gnomAD 0.00009; TOPMed 0.00011; ESP Exome Variant Server 0.00023.

Submissions (2):

Labcorp Genetics (formerly Invitae), Labcorp
Classification: Likely benign. Last evaluated: 2025-04-30. Review status: criteria provided, single submitter. Criteria: Invitae Variant Classification Sherloc (09022015). Collection method: clinical testing. Allele origin: germline.

PreventionGenetics, part of Exact Sciences
Classification: Likely benign for TRIP13-related condition. Last evaluated: 2019-02-21. Review status: no assertion criteria provided. Collection method: clinical testing. Allele origin: germline. Not counted in ClinVar's aggregate classification.
Comment: This variant is classified as likely benign based on ACMG/AMP sequence variant interpretation guidelines (Richards et al. 2015 PMID: 25741868, with internal and published modifications).